The following is an entry in ClinVar:

ClinVar aggregate classification (germline): Uncertain significance (1 of 4 stars; one submission).

Allele frequency attached by ClinVar (database versions not stated): gnomAD exomes below 0.00001 and 0.00001; gnomAD 0.00001; TOPMed 0.00001.
gnomAD v4.1: 11 of 1,611,294 alleles (0.00068%); highest among the groups gnomAD compares: East Asian, 0.0022%; no homozygotes.

Submission:

GeneDx
Classification: Uncertain significance. Last evaluated: 2019-08-08. Review status: criteria provided, single submitter. Criteria: GeneDx Variant Classification Process June 2021. Collection method: clinical testing. Allele origin: germline. Affected: yes.
Comment: Not observed at a significant frequency in large population cohorts (Lek et al., 2016); In silico analysis, which includes protein predictors and evolutionary conservation, supports that this variant does not alter protein structure/function; Has not been previously published as pathogenic or benign to our knowledge

NM_001127222.2(CACNA1A):c.4276A>G (p.Asn1426Asp)

Gene: CACNA1A (calcium voltage-gated channel subunit alpha1 A; minus strand). Cytogenetic location: 19p13.13.
Variant type: single nucleotide variant.
Coding change: c.4276A>G on transcript NM_001127222.2 (MANE Select); coding-DNA position 4276, A replaced by G.
Protein change: p.Asn1426Asp; replaces asparagine 1426 with aspartic acid.
Molecular consequence: missense variant.
Genome position (GRCh38, 1-based): chr19:13,259,676, T>C on the plus strand (A>G on the coding strand, the complement: CACNA1A is on the minus strand). VCF-style: chr19-13259676-T-C. GRCh37 (hg19) VCF-style: chr19-13370490-T-C.
Other names: c.4288A>G, p.Asn1430Asp (NM_000068.4, NM_023035.3); c.4279A>G, p.Asn1427Asp (NM_001127221.2, NM_001174080.2); short protein forms N1426D, N1427D, N1430D.
Identifiers: ClinVar variation 1307058 (VCV001307058.2), dbSNP rs1005591842, ClinGen allele CA305539496.